The following is an entry in ClinVar:

ClinVar aggregate classification (germline): Pathogenic (1 of 4 stars; one submission).

Submission:

GeneDx
Classification: Pathogenic. Last evaluated: 2019-09-09. Review status: criteria provided, single submitter. Criteria: GeneDx Variant Classification Process June 2021. Collection method: clinical testing. Allele origin: germline. Affected: yes.
Comment: Frameshift variant predicted to result in protein truncation or nonsense mediated decay in a gene for which loss-of-function is a known mechanism of disease; Not observed in large population cohorts (Lek et al., 2016); Has not been previously published as pathogenic or benign to our knowledge

NM_004523.4(KIF11):c.2775_2777delinsATTAATGTCCGTTAAAGGT (p.Thr926fs)

Gene: KIF11 (kinesin family member 11; plus strand). Cytogenetic location: 10q23.33.
Variant type: Indel.
Coding change: c.2775_2777delinsATTAATGTCCGTTAAAGGT on transcript NM_004523.4 (MANE Select); coding-DNA positions 2775 to 2777, GAC replaced by ATTAATGTCCGTTAAAGGT.
Protein change: p.Thr926fs; shifts the reading frame from threonine 926.
Molecular consequence: frameshift variant.
Genome position (GRCh38, 1-based): chr10:92,649,839-92,649,841, GAC replaced by ATTAATGTCCGTTAAAGGT. VCF-style: chr10-92649839-GAC-ATTAATGTCCGTTAAAGGT. GRCh37 (hg19) VCF-style: chr10-94409596-GAC-ATTAATGTCCGTTAAAGGT.
Other names: short protein forms T926fs.
Identifiers: ClinVar variation 1198357 (VCV001198357.2), dbSNP rs2135925610, ClinGen allele CA2499220501.